The following is an entry in ClinVar:

NM_000022.4(ADA):c.363-2A>T

Gene: ADA (adenosine deaminase; minus strand). Cytogenetic location: 20q13.12.
Variant type: single nucleotide variant.
Coding change: c.363-2A>T on transcript NM_000022.4 (MANE Select); the canonical splice acceptor site of the intron before coding-DNA position 363, A replaced by T.
Molecular consequence: splice acceptor variant. On other transcripts: intron variant (1).
Genome position (GRCh38, 1-based): chr20:44,625,686, T>A on the plus strand (A>T on the coding strand, the complement: ADA is on the minus strand). VCF-style: chr20-44625686-T-A. GRCh37 (hg19) VCF-style: chr20-43254327-T-A.
Other names: c.73+770A>T (NM_001322050.2); c.363-2A>T (NM_001322051.2).
Identifiers: ClinVar variation 2680691 (VCV002680691.3), dbSNP rs2145318314, ClinGen allele CA409121256.

ClinVar aggregate classification (germline): Likely pathogenic. Review status: criteria provided, multiple submitters, no conflicts (2 of 4 stars). 2 submissions from 2 submitters: Likely pathogenic (2). Last evaluated 2023-06-24.

Conditions:
Severe combined immunodeficiency, autosomal recessive, T cell-negative, B cell-negative, NK cell-negative, due to adenosine deaminase deficiency. Also called: ADA-SCID; SCID DUE TO ADA DEFICIENCY; SCID DUE TO ADA DEFICIENCY, EARLY-ONSET; ADA deficiency; Adenosine deaminase deficient severe combined immunodeficiency; Severe combined immunodeficiency due to ADA deficiency. Identifiers: Orphanet 277, MedGen C0392607, MONDO:0007064, OMIM 102700.

gnomAD v4.1: 1 of 1,557,384 alleles (0.000064%); highest among the groups gnomAD compares: East Asian, 0.0024%; no homozygotes.

Submissions (2):

Baylor Genetics
Classification: Likely pathogenic for Severe combined immunodeficiency, autosomal recessive, T cell-negative, B cell-negative, NK cell-negative, due to adenosine deaminase deficiency. Last evaluated: 2023-06-24. Review status: criteria provided, single submitter. Criteria: ACMG Guidelines, 2015. Collection method: clinical testing. Allele origin: unknown.

Juno Genomics, Hangzhou Juno Genomics, Inc
Classification: Likely pathogenic for Severe combined immunodeficiency, autosomal recessive, T cell-negative, B cell-negative, NK cell-negative, due to adenosine deaminase deficiency. Review status: criteria provided, single submitter. Criteria: ACMG Guidelines, 2015. Collection method: clinical testing. Allele origin: germline.
Comment: Null variant in a gene where loss of function (LOF) is a known mechanism of disease.;Absent from controls (or at extremely low frequency if recessive) in Genome Aggregation Database.